The following is an entry in ClinVar:

NM_001378414.1(HDAC4):c.928G>A (p.Val310Ile)

Gene: HDAC4 (histone deacetylase 4; minus strand). Cytogenetic location: 2q37.3.
Variant type: single nucleotide variant.
Coding change: c.928G>A on transcript NM_001378414.1 (MANE Select); coding-DNA position 928, G replaced by A.
Protein change: p.Val310Ile; replaces valine 310 with isoleucine.
Molecular consequence: missense variant.
Genome position (GRCh38, 1-based): chr2:239,139,734, C>T on the plus strand (G>A on the coding strand, the complement: HDAC4 is on the minus strand). VCF-style: chr2-239139734-C-T. GRCh37 (hg19) VCF-style: chr2-240061430-C-T.
Other names: c.928G>A (NM_006037.3); c.928G>A, p.Val310Ile (NM_001378415.1, NM_001378416.1, NM_001378417.1 and 1 more transcripts); short protein forms V310I.
Identifiers: ClinVar variation 1434875 (VCV001434875.9), dbSNP rs745380683, ClinGen allele CA2200007.

ClinVar aggregate classification (germline): Conflicting classifications of pathogenicity. Review status: criteria provided, conflicting classifications (1 of 4 stars). 2 submissions from 2 submitters: Uncertain significance (1); Likely benign (1). Last evaluated 2024-12-04.

Conditions:
HDAC4-related disorder. Also called: HDAC4-related condition.

Allele frequency attached by ClinVar (database versions not stated): ExAC 0.00003; gnomAD exomes 0.00003 and 0.00010; gnomAD 0.00014 and 0.00016.

Submissions (2):

PreventionGenetics, part of Exact Sciences
Classification: Likely benign for HDAC4-related condition. Last evaluated: 2024-12-04. Review status: criteria provided, single submitter. Criteria: ACMG Guidelines, 2015. Collection method: clinical testing. Allele origin: germline.
Comment: This variant is classified as likely benign based on ACMG/AMP sequence variant interpretation guidelines (Richards et al. 2015 PMID: 25741868, with internal and published modifications).

Labcorp Genetics (formerly Invitae), Labcorp
Classification: Uncertain significance. Last evaluated: 2022-03-04. Review status: criteria provided, single submitter. Criteria: Invitae Variant Classification Sherloc (09022015). Collection method: clinical testing. Allele origin: germline.
Comment: This variant has not been reported in the literature in individuals affected with HDAC4-related conditions. In summary, the available evidence is currently insufficient to determine the role of this variant in disease. Therefore, it has been classified as a Variant of Uncertain Significance. Algorithms developed to predict the effect of missense changes on protein structure and function output the following: SIFT: "Tolerated"; PolyPhen-2: "Benign"; Align-GVGD: "Class C0". The isoleucine amino acid residue is found in multiple mammalian species, which suggests that this missense change does not adversely affect protein function. This variant is present in population databases (rs745380683, gnomAD 0.05%). This sequence change replaces valine, which is neutral and non-polar, with isoleucine, which is neutral and non-polar, at codon 310 of the HDAC4 protein (p.Val310Ile).